The following is an entry in ClinVar:

ClinVar aggregate classification (germline): Uncertain significance. Review status: criteria provided, multiple submitters, no conflicts (2 of 4 stars). 2 submissions from 2 submitters: Uncertain significance (2). Last evaluated 2025-05-02.

Conditions:
Anterior segment dysgenesis. Also called: Ocular anterior segment dysgenesis. Identifiers: Orphanet 88632, MedGen C1862839, MONDO:0019503, HP:0007700.
Congenital primary aphakia. Also called: ANTERIOR SEGMENT DYSGENESIS 2; Anterior segment dysgenesis 2, multiple subtypes. Identifiers: Orphanet 83461, MedGen C1853230, MONDO:0012456, OMIM 610256.

Allele frequency attached by ClinVar (database versions not stated): TOPMed 0.00001; gnomAD 0.00002; 1000 Genomes Project 30x 0.00016; 1000 Genomes Project 0.00020; ExAC 0.00001.
gnomAD v4.1: 15 of 1,608,332 alleles (0.00093%); highest among the groups gnomAD compares: Admixed American, 0.024%; no homozygotes.

Submissions (2):

Labcorp Genetics (formerly Invitae), Labcorp
Classification: Uncertain significance for Anterior segment dysgenesis; Congenital primary aphakia. Last evaluated: 2025-05-02. Review status: criteria provided, single submitter. Criteria: Invitae Variant Classification Sherloc (09022015). Collection method: clinical testing. Allele origin: germline.
Comment: This sequence change replaces tyrosine, which is neutral and polar, with histidine, which is basic and polar, at codon 144 of the FOXE3 protein (p.Tyr144His). This variant is present in population databases (rs539993865, gnomAD 0.006%). This variant has not been reported in the literature in individuals affected with FOXE3-related conditions. ClinVar contains an entry for this variant (Variation ID: 2010305). Invitae Evidence Modeling of protein sequence and biophysical properties (such as structural, functional, and spatial information, amino acid conservation, physicochemical variation, residue mobility, and thermodynamic stability) indicates that this missense variant is expected to disrupt FOXE3 protein function with a positive predictive value of 80%. In summary, the available evidence is currently insufficient to determine the role of this variant in disease. Therefore, it has been classified as a Variant of Uncertain Significance.

GeneDx
Classification: Uncertain significance. Last evaluated: 2025-02-04. Review status: criteria provided, single submitter. Criteria: GeneDx Variant Classification Process June 2021. Collection method: clinical testing. Allele origin: germline. Affected: yes.
Comment: In silico analysis supports that this missense variant has a deleterious effect on protein structure/function; Has not been previously published as pathogenic or benign to our knowledge

NM_012186.3(FOXE3):c.430T>C (p.Tyr144His)

Genes: LINC01389 (long independently transcribed non-coding RNA 1389; minus strand), FOXE3 (forkhead box E3; plus strand). Cytogenetic location: 1p33.
Variant type: single nucleotide variant.
Coding change: c.430T>C on transcript NM_012186.3 (MANE Select); coding-DNA position 430, T replaced by C.
Protein change: p.Tyr144His; replaces tyrosine 144 with histidine.
Molecular consequence: missense variant.
Genome position (GRCh38, 1-based): chr1:47,416,745, T>C. VCF-style: chr1-47416745-T-C. GRCh37 (hg19) VCF-style: chr1-47882417-T-C.
Other names: c.430T>C (NM_012186.2); short protein forms Y144H.
Identifiers: ClinVar variation 2010305 (VCV002010305.5), dbSNP rs539993865, ClinGen allele CA842966.
Genomic context (GRCh38, chr1:47,416,745, plus strand): 5'-ACGCTCAACGACTGCTTCGTCAAGGTGCCCCGCGAGCCGGGCAACCCGGGCAAGGGCAAC[T>C]ACTGGACGCTGGACCCCGCGGCCGCAGACATGTTCGACAACGGCAGCTTCCTGCGGCGCC-3'
Protein context (NP_036318.1, residues 134-154): REPGNPGKGN[Tyr144His]WTLDPAAADM